The following is an entry in ClinVar:

NM_000059.4(BRCA2):c.1103C>G (p.Ser368Ter)

Gene: BRCA2 (BRCA2 DNA repair associated; plus strand). Cytogenetic location: 13q13.1.
Variant type: single nucleotide variant.
Coding change: c.1103C>G on transcript NM_000059.4 (MANE Select); coding-DNA position 1103, C replaced by G.
Protein change: p.Ser368Ter; replaces serine 368 with a stop codon.
Molecular consequence: nonsense.
Genome position (GRCh38, 1-based): chr13:32,332,581, C>G. VCF-style: chr13-32332581-C-G. GRCh37 (hg19) VCF-style: chr13-32906718-C-G.
Other names: short protein forms S368*.
Identifiers: ClinVar variation 495429 (VCV000495429.17), dbSNP rs80358407, ClinGen allele CA387761567.

ClinVar aggregate classification (germline): Pathogenic. Review status: reviewed by expert panel (3 of 4 stars). 4 submissions from 4 submitters: Pathogenic (1). 3 of the submissions do not count toward it. Last evaluated 2017-12-15.

Conditions:
Hereditary breast ovarian cancer syndrome. Also called: Hereditary breast and ovarian cancer syndrome (HBOC); Breast and ovarian cancer; Hereditary breast and ovarian cancer; BRCA1- and BRCA2-Associated Hereditary Breast and Ovarian Cancer; Hereditary breast and/or ovarian cancer syndrome; Hereditary breast and ovarian cancer syndrome. Identifiers: Orphanet 145, MedGen C0677776, MeSH D061325, MONDO:0003582. Disease mechanism: loss of function.
Hereditary cancer-predisposing syndrome. Also called: Tumor predisposition; Hereditary neoplastic syndrome; Neoplastic Syndromes, Hereditary; Hereditary Cancer Syndrome. Identifiers: Orphanet 140162, MedGen C0027672, MeSH D009386, MONDO:0015356.
Breast-ovarian cancer, familial, susceptibility to, 2 (BROVCA2). Also called: BRCA2 Hereditary Breast and Ovarian Cancer. Identifiers: Orphanet 145, MedGen C2675520, MONDO:0012933, OMIM 612555. Disease mechanism: loss of function.

Submissions (4):

Evidence-based Network for the Interpretation of Germline Mutant Alleles (ENIGMA)
Classification: Pathogenic for Breast-ovarian cancer, familial, susceptibility to, 2. Last evaluated: 2017-12-15. Review status: reviewed by expert panel. Criteria: ENIGMA BRCA1/2 Classification Criteria (2017-06-29). Collection method: curation. Allele origin: germline. Study: ENIGMA.
Comment: Variant allele predicted to encode a truncated non-functional protein.

Labcorp Genetics (formerly Invitae), Labcorp
Classification: Pathogenic for Hereditary breast ovarian cancer syndrome. Last evaluated: 2025-08-13. Review status: criteria provided, single submitter. Criteria: Invitae Variant Classification Sherloc (09022015). Collection method: clinical testing. Allele origin: germline. Not counted in ClinVar's aggregate classification.
Comment: This sequence change creates a premature translational stop signal (p.Ser368*) in the BRCA2 gene. It is expected to result in an absent or disrupted protein product. Loss-of-function variants in BRCA2 are known to be pathogenic (PMID: 20104584). This variant is not present in population databases (gnomAD no frequency). This premature translational stop signal has been observed in individual(s) with breast cancer (PMID: 26287763, 28294317). ClinVar contains an entry for this variant (Variation ID: 495429). For these reasons, this variant has been classified as Pathogenic.

Women's Health and Genetics/Laboratory Corporation of America, LabCorp
Classification: Pathogenic for Hereditary breast ovarian cancer syndrome. Last evaluated: 2024-09-23. Review status: criteria provided, single submitter. Criteria: LabCorp Variant Classification Summary - May 2015. Collection method: clinical testing. Allele origin: germline. Not counted in ClinVar's aggregate classification.
Comment: Variant summary: BRCA2 c.1103C>G (p.Ser368X) results in a premature termination codon, predicted to cause a truncation of the encoded protein or absence of the protein due to nonsense mediated decay, which are commonly known mechanisms for disease. The variant was absent in 249768 control chromosomes. c.1103C>G has been reported in the literature in individuals affected with Hereditary Breast And Ovarian Cancer Syndrome (e.g. Pal_2015). To our knowledge, no experimental evidence demonstrating an impact on protein function has been reported. The following publications have been ascertained in the context of this evaluation (PMID: 26287763). ClinVar contains an entry for this variant (Variation ID: 495429). Based on the evidence outlined above, the variant was classified as pathogenic.

Ambry Genetics
Classification: Pathogenic for Hereditary cancer-predisposing syndrome. Last evaluated: 2022-06-03. Review status: criteria provided, single submitter. Criteria: Ambry Variant Classification Scheme 2023. Collection method: clinical testing. Allele origin: germline. Not counted in ClinVar's aggregate classification.
Comment: The p.S368* pathogenic mutation (also known as c.1103C>G), located in coding exon 9 of the BRCA2 gene, results from a C to G substitution at nucleotide position 1103. This changes the amino acid from a serine to a stop codon within coding exon 9. This mutation has been reported in patients with early-onset breast cancer (Pal T et al. Cancer 2015 Dec;121(23):4173-80; Lang GT et al. Int. J. Cancer 2017 07;141(1):129-142). This variant is considered to be rare based on population cohorts in the Genome Aggregation Database (gnomAD). In addition to the clinical data presented in the literature, this alteration is expected to result in loss of function by premature protein truncation or nonsense-mediated mRNA decay. As such, this alteration is interpreted as a disease-causing mutation.

Literature cited by the submitters: PubMed 20104584 (cited by Labcorp Genetics (formerly Invitae), Labcorp); PubMed 26287763 (cited by Labcorp Genetics (formerly Invitae), Labcorp and Women's Health and Genetics/Laboratory Corporation of America, LabCorp); PubMed 28294317 (cited by Labcorp Genetics (formerly Invitae), Labcorp); PubMed 24240112 (cited by Women's Health and Genetics/Laboratory Corporation of America, LabCorp and Ambry Genetics).